The following is an entry in ClinVar:

ClinVar aggregate classification (germline): Pathogenic (1 of 4 stars; one submission).

Conditions:
Duchenne muscular dystrophy (DMD). Also called: MUSCULAR DYSTROPHY, PSEUDOHYPERTROPHIC PROGRESSIVE, DUCHENNE TYPE; Duchenne Muscular Dystrophy (DMD). Identifiers: Orphanet 98896, MedGen C0013264, MONDO:0010679, OMIM 310200.

Submission:

Labcorp Genetics (formerly Invitae), Labcorp
Classification: Pathogenic for Duchenne muscular dystrophy. Last evaluated: 2018-10-24. Review status: criteria provided, single submitter. Criteria: Invitae Variant Classification Sherloc (09022015). Collection method: clinical testing. Allele origin: germline.
Comment: This variant is a gross duplication of the genomic region encompassing exon 2 of the DMD gene. The duplicated copy of this region is likely in tandem and results in an absent or disrupted protein product. Truncating variants in DMD are known to be pathogenic. Duplication of exon 2 has been reported as a commonly occurring single exon duplication in individuals with Duchenne muscular dystrophy (PMID: 16917894, 19937601, 25244321). For these reasons, this variant has been classified as Pathogenic.

Literature cited by the submitters: PubMed 19937601; PubMed 16917894; PubMed 25244321.

NC_000023.10:g.(?_33032666)_(33038337_?)dup

Gene: DMD (dystrophin; minus strand). Cytogenetic location: Xp21.1.
Variant type: Duplication.
Identifiers: ClinVar variation 455848 (VCV000455848.2).